The following is an entry in ClinVar:

NM_002900.3(RBP3):c.1889T>C (p.Leu630Pro)

Gene: RBP3 (retinol binding protein 3; plus strand). Cytogenetic location: 10q11.22.
Variant type: single nucleotide variant.
Coding change: c.1889T>C on transcript NM_002900.3 (MANE Select); coding-DNA position 1889, T replaced by C.
Protein change: p.Leu630Pro; replaces leucine 630 with proline.
Molecular consequence: missense variant.
Genome position (GRCh38, 1-based): chr10:47,350,373, T>C. VCF-style: chr10-47350373-T-C. GRCh37 (hg19) VCF-style: chr10-48388989-A-G.
Other names: short protein forms L630P.
Identifiers: ClinVar variation 1922676 (VCV001922676.5), dbSNP rs2549028936, ClinGen allele CA376671683.
Genomic context (GRCh38, chr10:47,350,373, plus strand): 5'-GAGTGGTGCCCGATGCCATCGTGCTGGCCGAGGAGGCCCTGGACAAAGCCCAGGAAGTGC[T>C]GGAGTTCCACCAAAGCCTGGGGGCCTTGGTGGAGGGCACAGGGCACCTGCTGGAGGCCCA-3'
Protein context (NP_002891.1, residues 620-640): EEALDKAQEV[Leu630Pro]EFHQSLGALV

ClinVar aggregate classification (germline): Uncertain significance (1 of 4 stars; one submission).

Allele frequency attached by ClinVar (database versions not stated): gnomAD exomes below 0.00001.
gnomAD v4.1: 1 of 1,612,450 alleles (0.000062%); highest among the groups gnomAD compares: Non-Finnish European, 0.000085%; no homozygotes.

Submission:

Labcorp Genetics (formerly Invitae), Labcorp
Classification: Uncertain significance. Last evaluated: 2022-06-14. Review status: criteria provided, single submitter. Criteria: Invitae Variant Classification Sherloc (09022015). Collection method: clinical testing. Allele origin: germline.
Comment: This sequence change replaces leucine, which is neutral and non-polar, with proline, which is neutral and non-polar, at codon 630 of the RBP3 protein (p.Leu630Pro). This variant is not present in population databases (gnomAD no frequency). This variant has not been reported in the literature in individuals affected with RBP3-related conditions. Algorithms developed to predict the effect of missense changes on protein structure and function are either unavailable or do not agree on the potential impact of this missense change (SIFT: "Deleterious"; PolyPhen-2: "Possibly Damaging"; Align-GVGD: "Class C0"). In summary, the available evidence is currently insufficient to determine the role of this variant in disease. Therefore, it has been classified as a Variant of Uncertain Significance.